The following is an entry in ClinVar:

ClinVar aggregate classification (germline): Uncertain significance (1 of 4 stars; one submission).

Submission:

Labcorp Genetics (formerly Invitae), Labcorp
Classification: Uncertain significance. Last evaluated: 2025-07-09. Review status: criteria provided, single submitter. Criteria: Invitae Variant Classification Sherloc (09022015). Collection method: clinical testing. Allele origin: germline.
Comment: This sequence change replaces isoleucine, which is neutral and non-polar, with valine, which is neutral and non-polar, at codon 361 of the FAM20C protein (p.Ile361Val). This variant is not present in population databases (gnomAD no frequency). This variant has not been reported in the literature in individuals affected with FAM20C-related conditions. Invitae Evidence Modeling of protein sequence and biophysical properties (such as structural, functional, and spatial information, amino acid conservation, physicochemical variation, residue mobility, and thermodynamic stability) indicates that this missense variant is not expected to disrupt FAM20C protein function with a negative predictive value of 80%. In summary, the available evidence is currently insufficient to determine the role of this variant in disease. Therefore, it has been classified as a Variant of Uncertain Significance.

NM_020223.4(FAM20C):c.1081A>G (p.Ile361Val)

Gene: FAM20C (FAM20C golgi associated secretory pathway kinase; plus strand). Cytogenetic location: 7p22.3.
Variant type: single nucleotide variant.
Coding change: c.1081A>G on transcript NM_020223.4 (MANE Select); coding-DNA position 1081, A replaced by G.
Protein change: p.Ile361Val; replaces isoleucine 361 with valine.
Molecular consequence: missense variant.
Genome position (GRCh38, 1-based): chr7:255,857, A>G. VCF-style: chr7-255857-A-G. GRCh37 (hg19) VCF-style: chr7-295823-A-G.
Other names: short protein forms I361V.
Identifiers: ClinVar variation 4744304 (VCV004744304.1).